The following is an entry in ClinVar:

ClinVar aggregate classification (germline): Uncertain significance (1 of 4 stars; one submission).

gnomAD v4.1: 1 of 1,595,594 alleles (0.000063%); highest among the groups gnomAD compares: Non-Finnish European, 0.000086%; no homozygotes.

Submission:

Labcorp Genetics (formerly Invitae), Labcorp
Classification: Uncertain significance. Last evaluated: 2024-10-10. Review status: criteria provided, single submitter. Criteria: Invitae Variant Classification Sherloc (09022015). Collection method: clinical testing. Allele origin: germline.
Comment: This sequence change replaces threonine, which is neutral and polar, with alanine, which is neutral and non-polar, at codon 420 of the POLG2 protein (p.Thr420Ala). This variant is not present in population databases (gnomAD no frequency). This variant has not been reported in the literature in individuals affected with POLG2-related conditions. An algorithm developed to predict the effect of missense changes on protein structure and function (PolyPhen-2) suggests that this variant is likely to be tolerated. In summary, the available evidence is currently insufficient to determine the role of this variant in disease. Therefore, it has been classified as a Variant of Uncertain Significance.

NM_007215.4(POLG2):c.1258A>G (p.Thr420Ala)

Genes: MILR1 (mast cell immunoglobulin like receptor 1; plus strand), POLG2 (DNA polymerase gamma 2, accessory subunit; minus strand). Cytogenetic location: 17q23.3.
Variant type: single nucleotide variant.
Coding change: c.1258A>G on transcript NM_007215.4 (MANE Select); coding-DNA position 1258, A replaced by G.
Protein change: p.Thr420Ala; replaces threonine 420 with alanine.
Molecular consequence: missense variant.
Genome position (GRCh38, 1-based): chr17:64,480,323, T>C on the plus strand (A>G on the coding strand, the complement: POLG2 is on the minus strand). VCF-style: chr17-64480323-T-C. GRCh37 (hg19) VCF-style: chr17-62476440-T-C.
Other names: short protein forms T420A.
Identifiers: ClinVar variation 3711064 (VCV003711064.2).